The following is an entry in ClinVar:

ClinVar aggregate classification (germline): Likely benign. Review status: criteria provided, single submitter (1 of 4 stars). 2 submissions from 2 submitters: Likely benign (1). 1 of the submissions does not count toward it. Last evaluated 2023-07-03.

Conditions:
DYRK1B-related disorder. Also called: DYRK1B-related condition.

Allele frequency attached by ClinVar (database versions not stated): ExAC 0.00001; 1000 Genomes Project 30x 0.00016; 1000 Genomes Project 0.00020.
gnomAD v4.1: 13 of 1,613,874 alleles (0.00081%); highest among the groups gnomAD compares: African/African-American, 0.015%; no homozygotes.

Submissions (2):

Labcorp Genetics (formerly Invitae), Labcorp
Classification: Likely benign. Last evaluated: 2023-07-03. Review status: criteria provided, single submitter. Criteria: Invitae Variant Classification Sherloc (09022015). Collection method: clinical testing. Allele origin: germline.

PreventionGenetics, part of Exact Sciences
Classification: Likely benign for DYRK1B-related condition. Last evaluated: 2023-06-20. Review status: no assertion criteria provided. Collection method: clinical testing. Allele origin: germline. Not counted in ClinVar's aggregate classification.
Comment: This variant is classified as likely benign based on ACMG/AMP sequence variant interpretation guidelines (Richards et al. 2015 PMID: 25741868, with internal and published modifications).

NM_004714.3(DYRK1B):c.373-5A>G

Gene: DYRK1B (dual specificity tyrosine phosphorylation regulated kinase 1B; minus strand). Cytogenetic location: 19q13.2.
Variant type: single nucleotide variant.
Coding change: c.373-5A>G on transcript NM_004714.3 (MANE Select); 5 bases into the intron before coding-DNA position 373, A replaced by G.
Molecular consequence: intron variant.
Genome position (GRCh38, 1-based): chr19:39,830,032, T>C on the plus strand (A>G on the coding strand, the complement: DYRK1B is on the minus strand). VCF-style: chr19-39830032-T-C. GRCh37 (hg19) VCF-style: chr19-40320672-T-C.
Other names: c.373-5A>G (NM_004714.2, NM_006483.3, NM_006484.3).
Identifiers: ClinVar variation 2896840 (VCV002896840.5), dbSNP rs200639977, ClinGen allele CA9434328.